The following is an entry in ClinVar:

ClinVar aggregate classification (germline): Uncertain significance. Review status: criteria provided, multiple submitters, no conflicts (2 of 4 stars). 3 submissions from 3 submitters: Uncertain significance (3). Last evaluated 2023-02-24.

Conditions:
Inborn genetic diseases. Identifiers: MedGen C0950123, MeSH D030342.

Allele frequency attached by ClinVar (database versions not stated): ExAC 0.00001; gnomAD 0.00002; TOPMed 0.00005; gnomAD exomes 0.00007.
gnomAD v4.1: 105 of 1,612,506 alleles (0.0065%); highest among the groups gnomAD compares: Non-Finnish European, 0.0084%; no homozygotes.

Submissions (3):

Labcorp Genetics (formerly Invitae), Labcorp
Classification: Uncertain significance. Last evaluated: 2023-02-24. Review status: criteria provided, single submitter. Criteria: Invitae Variant Classification Sherloc (09022015). Collection method: clinical testing. Allele origin: germline.
Comment: This variant is present in population databases (rs574206272, gnomAD 0.005%). This sequence change replaces threonine, which is neutral and polar, with methionine, which is neutral and non-polar, at codon 58 of the ZMIZ1 protein (p.Thr58Met). This variant has not been reported in the literature in individuals affected with ZMIZ1-related conditions. In summary, the available evidence is currently insufficient to determine the role of this variant in disease. Therefore, it has been classified as a Variant of Uncertain Significance. An algorithm developed to predict the effect of missense changes on protein structure and function (PolyPhen-2) suggests that this variant is likely to be disruptive. ClinVar contains an entry for this variant (Variation ID: 2366444).

Ambry Genetics
Classification: Uncertain significance for Inborn genetic diseases. Last evaluated: 2022-12-16. Review status: criteria provided, single submitter. Criteria: Ambry Variant Classification Scheme 2023. Collection method: clinical testing. Allele origin: germline.

Centre of Medical Genetics, University Hospital Muenster
Classification: Uncertain significance. Last evaluated: 2022-10-26. Review status: criteria provided, single submitter. Criteria: ACMG Guidelines, 2015. Collection method: clinical testing. Allele origin: unknown. Affected: yes. Observed: 1 variant allele, 1 heterozygote.
Comment: ACMG categories: PM2,PP3

NM_020338.4(ZMIZ1):c.173C>T (p.Thr58Met)

Gene: ZMIZ1 (zinc finger MIZ-type containing 1; plus strand). Cytogenetic location: 10q22.3.
Variant type: single nucleotide variant.
Coding change: c.173C>T on transcript NM_020338.4 (MANE Select); coding-DNA position 173, C replaced by T.
Protein change: p.Thr58Met; replaces threonine 58 with methionine.
Molecular consequence: missense variant.
Genome position (GRCh38, 1-based): chr10:79,208,448, C>T. VCF-style: chr10-79208448-C-T. GRCh37 (hg19) VCF-style: chr10-80968205-C-T.
Other names: short protein forms T58M.
Identifiers: ClinVar variation 2366444 (VCV002366444.6), dbSNP rs574206272, ClinGen allele CA5572206.